The following is an entry in ClinVar:

ClinVar aggregate classification (germline): Likely benign (1 of 4 stars; one submission).

Allele frequency attached by ClinVar (database versions not stated): ExAC 0.00006; ESP Exome Variant Server 0.00008; gnomAD 0.00013; 1000 Genomes Project 30x 0.00016; TOPMed 0.00018; 1000 Genomes Project 0.00020; gnomAD exomes 0.00002.
gnomAD v4.1: 50 of 1,612,848 alleles (0.0031%); highest among the groups gnomAD compares: African/African-American, 0.055%; no homozygotes.

Submission:

CeGaT Center for Human Genetics Tuebingen
Classification: Likely benign. Last evaluated: 2022-08-01. Review status: criteria provided, single submitter. Criteria: CeGaT Center For Human Genetics Tuebingen Variant Classification Criteria Version 2. Collection method: clinical testing. Allele origin: germline. Affected: yes. Observed: 1 variant allele.
Comment: GRM7: BP4, BP7

NM_000844.4(GRM7):c.987C>T (p.Ile329=)

Gene: GRM7 (glutamate metabotropic receptor 7; plus strand). Cytogenetic location: 3p26.1.
Variant type: single nucleotide variant.
Coding change: c.987C>T on transcript NM_000844.4 (MANE Select); coding-DNA position 987, C replaced by T.
Protein change: p.Ile329=; no amino-acid change (isoleucine 329 retained).
Molecular consequence: synonymous variant.
Genome position (GRCh38, 1-based): chr3:7,306,606, C>T. VCF-style: chr3-7306606-C-T. GRCh37 (hg19) VCF-style: chr3-7348293-C-T.
Other names: c.987C>T, p.Ile329= (NM_181874.3).
Identifiers: ClinVar variation 2653463 (VCV002653463.24), dbSNP rs373414573, ClinGen allele CA2234746.